The following is an entry in ClinVar:

ClinVar aggregate classification (germline): Likely benign (1 of 4 stars; one submission).

gnomAD v4.1: 1 of 1,609,404 alleles (0.000062%); highest among the groups gnomAD compares: Non-Finnish European, 0.000085%; no homozygotes.

Submission:

CeGaT Center for Human Genetics Tuebingen
Classification: Likely benign. Last evaluated: 2025-08-01. Review status: criteria provided, single submitter. Criteria: CeGaT Center For Human Genetics Tuebingen Variant Classification Criteria Version 2. Collection method: clinical testing. Allele origin: germline. Affected: yes. Observed: 1 variant allele.
Comment: DOCK1: BP4, BP7

NM_001290223.2(DOCK1):c.3867G>A (p.Thr1289=)

Gene: DOCK1 (dedicator of cytokinesis 1; plus strand). Cytogenetic location: 10q26.2.
Variant type: single nucleotide variant.
Coding change: c.3867G>A on transcript NM_001290223.2 (MANE Select); coding-DNA position 3867, G replaced by A.
Protein change: p.Thr1289=; no amino-acid change (threonine 1289 retained).
Molecular consequence: synonymous variant. On other transcripts: intron variant (2).
Genome position (GRCh38, 1-based): chr10:127,384,849, G>A. VCF-style: chr10-127384849-G-A. GRCh37 (hg19) VCF-style: chr10-129183113-G-A.
Other names: c.3804G>A, p.Thr1268= (NM_001377543.1, NM_001377556.1, NM_001380.5); c.3840G>A, p.Thr1280= (NM_001377544.1); c.3741G>A, p.Thr1247= (NM_001377547.1); c.3720G>A, p.Thr1240= (NM_001377548.1); c.3705G>A, p.Thr1235= (NM_001377550.1); c.3651G>A, p.Thr1217= (NM_001377554.1); c.3597G>A, p.Thr1199= (NM_001377558.1); c.3012G>A, p.Thr1004= (NM_001377560.1); and 2 more.
Identifiers: ClinVar variation 4084422 (VCV004084422.8).
Genomic context (GRCh38, chr10:127,384,849, plus strand): 5'-GTGGTCGGAGGATGTGTGTGTGGCCCACCTCACCCAGCGGGACGGGTACCAGGCCACCAC[G>A]CAGGGACAGCTGAAGGAGCAGCTCTACCAGGAAATCATCCACTACTTCGACAAAGGCAAG-3'
Protein context (NP_001277152.2, residues 1279-1299): LTQRDGYQAT[Thr1289=]QGQLKEQLYQ